The following is an entry in ClinVar:

NM_015202.5(KATNIP):c.1389+2T>C

Gene: KATNIP (katanin interacting protein; plus strand). Cytogenetic location: 16p12.1.
Variant type: single nucleotide variant.
Coding change: c.1389+2T>C on transcript NM_015202.5 (MANE Select); the canonical splice donor site of the intron after coding-DNA position 1389, T replaced by C.
Molecular consequence: splice donor variant.
Genome position (GRCh38, 1-based): chr16:27,704,000, T>C. VCF-style: chr16-27704000-T-C. GRCh37 (hg19) VCF-style: chr16-27715321-T-C.
Other names: c.1389+2T>C (NM_015202.3).
Identifiers: ClinVar variation 2053053 (VCV002053053.8), dbSNP rs201341558, ClinGen allele CA7977682.

ClinVar aggregate classification (germline): Likely pathogenic. Review status: criteria provided, multiple submitters, no conflicts (2 of 4 stars). 4 submissions from 4 submitters: Likely pathogenic (3). 1 of the submissions does not count toward it. Last evaluated 2025-08-04.

Conditions:
KATNIP & KIAA0556-related disorders.
KATNIP-related disorder. Also called: KATNIP-related condition.

Allele frequency attached by ClinVar (database versions not stated): ExAC 0.00007; gnomAD 0.00009; TOPMed 0.00010; gnomAD exomes 0.00014; ESP Exome Variant Server 0.00015.
gnomAD v4.1: 218 of 1,611,222 alleles (0.014%); highest among the groups gnomAD compares: Non-Finnish European, 0.017%; no homozygotes.

Submissions (4):

Labcorp Genetics (formerly Invitae), Labcorp
Classification: Likely pathogenic. Last evaluated: 2025-08-04. Review status: criteria provided, single submitter. Criteria: Invitae Variant Classification Sherloc (09022015). Collection method: clinical testing. Allele origin: germline.
Comment: This sequence change affects a donor splice site in intron 12 of the KIAA0556 gene. It is expected to disrupt RNA splicing. Variants that disrupt the donor or acceptor splice site typically lead to a loss of protein function (PMID: 16199547), and loss-of-function variants in KIAA0556 are known to be pathogenic (PMID: 26714646, 27245168). This variant is present in population databases (rs201341558, gnomAD 0.02%). This variant has not been reported in the literature in individuals affected with KIAA0556-related conditions. ClinVar contains an entry for this variant (Variation ID: 2053053). Algorithms developed to predict the effect of sequence changes on RNA splicing suggest that this variant may disrupt the consensus splice site. In summary, the currently available evidence indicates that the variant is pathogenic, but additional data are needed to prove that conclusively. Therefore, this variant has been classified as Likely Pathogenic.

Dasa
Classification: Likely pathogenic. Last evaluated: 2025-06-06. Review status: criteria provided, single submitter. Criteria: DASA Assertion Criteria. Collection method: clinical testing. Allele origin: germline.
Comment: NM_015202.5(KIAA0556):c.1389+2T>C affects a canonical splice site and is predicted to disrupt normal RNA splicing. Loss of function is an established disease mechanism for KIAA0556-associated disorders. Also, this variant is rare in population databases. Based on the currently available evidence, this variant is classified as likely pathogenic.

Blueprint Genetics
Classification: Likely pathogenic for KATNIP & KIAA0556-related disorders. Last evaluated: 2023-10-24. Review status: criteria provided, single submitter. Criteria: ACMG Guidelines, 2015. Collection method: clinical testing. Allele origin: germline. Affected: yes. Observed: 5 variant alleles.

PreventionGenetics, part of Exact Sciences
Classification: Likely pathogenic for KATNIP-related condition. Last evaluated: 2024-08-07. Review status: no assertion criteria provided. Collection method: clinical testing. Allele origin: germline. Not counted in ClinVar's aggregate classification.
Comment: The KATNIP c.1389+2T>C variant is predicted to disrupt the GT donor site and interfere with normal splicing. To our knowledge, this variant has not been reported in the literature. This variant is reported in 0.016% of alleles in individuals of African descent in gnomAD. Variants that disrupt the consensus splice donor site in KATNIP are expected to be pathogenic. This variant is interpreted as likely pathogenic.

Literature cited by the submitters: PubMed 16199547 (cited by Labcorp Genetics (formerly Invitae), Labcorp); PubMed 26714646 (cited by Labcorp Genetics (formerly Invitae), Labcorp); PubMed 27245168 (cited by Labcorp Genetics (formerly Invitae), Labcorp).